The following is an entry in ClinVar:

ClinVar aggregate classification (germline): Uncertain significance (1 of 4 stars; one submission).

Conditions:
Severe early-onset pulmonary alveolar proteinosis due to MARS deficiency. Also called: PULMONARY ALVEOLAR PROTEINOSIS, REUNION ISLAND; Interstitial lung and liver disease. Identifiers: Orphanet 440427, MedGen C4225400, MONDO:0014206, OMIM 615486.
Charcot-Marie-Tooth disease axonal type 2U. Also called: CHARCOT-MARIE-TOOTH NEUROPATHY, TYPE 2U; CHARCOT-MARIE-TOOTH DISEASE, AXONAL, AUTOSOMAL DOMINANT, TYPE 2U. Identifiers: Orphanet 397735, MedGen C4084821, MONDO:0014566, OMIM 616280.

Allele frequency attached by ClinVar (database versions not stated): gnomAD 0.00001; TOPMed 0.00001; ExAC 0.00001; gnomAD exomes 0.00001.
gnomAD v4.1: 6 of 1,614,030 alleles (0.00037%); highest among the groups gnomAD compares: Admixed American, 0.01%; no homozygotes.

Submission:

Labcorp Genetics (formerly Invitae), Labcorp
Classification: Uncertain significance for Charcot-Marie-Tooth disease axonal type 2U; Severe early-onset pulmonary alveolar proteinosis due to MARS deficiency. Last evaluated: 2025-11-09. Review status: criteria provided, single submitter. Criteria: Invitae Variant Classification Sherloc (09022015). Collection method: clinical testing. Allele origin: germline.
Comment: This sequence change replaces histidine, which is basic and polar, with tyrosine, which is neutral and polar, at codon 691 of the MARS protein (p.His691Tyr). This variant is present in population databases (rs748378192, gnomAD 0.01%). This variant has not been reported in the literature in individuals affected with MARS-related conditions. ClinVar contains an entry for this variant (Variation ID: 2924026). An algorithm developed to predict the effect of missense changes on protein structure and function (PolyPhen-2) suggests that this variant is likely to be tolerated. In summary, the available evidence is currently insufficient to determine the role of this variant in disease. Therefore, it has been classified as a Variant of Uncertain Significance.

NM_004990.4(MARS1):c.2071C>T (p.His691Tyr)

Gene: MARS1 (methionyl-tRNA synthetase 1; plus strand). Cytogenetic location: 12q13.3.
Variant type: single nucleotide variant.
Coding change: c.2071C>T on transcript NM_004990.4 (MANE Select); coding-DNA position 2071, C replaced by T.
Protein change: p.His691Tyr; replaces histidine 691 with tyrosine.
Molecular consequence: missense variant.
Genome position (GRCh38, 1-based): chr12:57,514,823, C>T. VCF-style: chr12-57514823-C-T. GRCh37 (hg19) VCF-style: chr12-57908606-C-T.
Other names: short protein forms H691Y.
Identifiers: ClinVar variation 2924026 (VCV002924026.3), dbSNP rs748378192, ClinGen allele CA6650693.